The following is an entry in ClinVar:

NM_006005.3(WFS1):c.1837T>G (p.Trp613Gly)

Gene: WFS1 (wolframin ER transmembrane glycoprotein; plus strand). Cytogenetic location: 4p16.1.
Variant type: single nucleotide variant.
Coding change: c.1837T>G on transcript NM_006005.3 (MANE Select); coding-DNA position 1837, T replaced by G.
Protein change: p.Trp613Gly; replaces tryptophan 613 with glycine.
Molecular consequence: missense variant.
Genome position (GRCh38, 1-based): chr4:6,301,632, T>G. VCF-style: chr4-6301632-T-G. GRCh37 (hg19) VCF-style: chr4-6303359-T-G.
Other names: c.1837T>G, p.Trp613Gly (NM_001145853.1); short protein forms W613G.
Identifiers: ClinVar variation 929933 (VCV000929933.9), dbSNP rs1730924133, ClinGen allele CA356176933.

ClinVar aggregate classification (germline): Uncertain significance/Uncertain risk allele. Review status: criteria provided, multiple submitters, no conflicts (2 of 4 stars). 5 submissions from 5 submitters: Uncertain significance (3); Uncertain risk allele (1). 1 of the submissions does not count toward it. Last evaluated 2023-09-07.

Conditions:
Wolfram syndrome 1 (WFS1). Identifiers: Orphanet 3463, MedGen C4551693, MONDO:0009101, OMIM 222300.
WFS1-related disorder. Identifiers: MedGen CN379391, MONDO:0700293.

Allele frequency attached by ClinVar (database versions not stated): gnomAD 0.00001; TOPMed 0.00001.
gnomAD v4.1: 2 of 1,613,988 alleles (0.00012%); highest among the groups gnomAD compares: Admixed American, 0.0033%; no homozygotes.

Submissions (5):

GeneDx
Classification: Uncertain significance. Last evaluated: 2023-09-07. Review status: criteria provided, single submitter. Criteria: GeneDx Variant Classification Process June 2021. Collection method: clinical testing. Allele origin: germline. Affected: yes.
Comment: Not observed at significant frequency in large population cohorts (gnomAD); In silico analysis supports that this missense variant has a deleterious effect on protein structure/function; Has not been previously published as pathogenic or benign to our knowledge; This variant is associated with the following publications: (PMID: 12955714, 18060660, 17603484, 20738327, 33879153, 20301750)

Laboratory for Molecular Medicine, Mass General Brigham Personalized Medicine
Classification: Uncertain significance. Last evaluated: 2019-03-20. Review status: criteria provided, single submitter. Criteria: LMM Criteria. Collection method: clinical testing. Allele origin: germline. Observed: 1 variant allele.
Comment: The p.Trp613Gly variant in WFS1 has not been previously reported in individuals with hearing loss, Wolfram syndrome or Wolfram-like disorder, and was absent from large population studies. Computational prediction tools and conservation analysis do not provide strong support for or against an impact to the protein. In summary, the clinical significance of this variant is uncertain. ACMG/AMP Criteria applied: PM2.

Breakthrough Genomics
Classification: Uncertain significance. Review status: criteria provided, single submitter. Criteria: ACMG Guidelines, 2015. Collection method: not provided. Allele origin: germline. Inheritance: Autosomal recessive inheritance. Affected: yes.

Clinical Genomics, Uppaluri K&H Personalized Medicine Clinic
Classification: Uncertain risk allele for Wolfram syndrome 1. Review status: criteria provided, single submitter. Criteria: K & H Uppaluri Personalized Medicine Clinic Variant Classification & Assertion Criteria_Updated V.1. Collection method: research. Allele origin: unknown. Inheritance: Autosomal recessive inheritance.
Comment: Potent mutations in WFS1 gene are associated with Wolfram's syndrome, an autosomal recessive condition, which cause diabetes mellitus, diabetes insipidus, deafness and optic atrophy. However no sufficient evidence is found to ascertain the role of this particular variant rs1730924133 in Wolfram's syndrome yet.

PreventionGenetics, part of Exact Sciences
Classification: Uncertain significance for WFS1-related condition. Last evaluated: 2024-01-02. Review status: no assertion criteria provided. Collection method: clinical testing. Allele origin: germline. Not counted in ClinVar's aggregate classification.
Comment: The WFS1 c.1837T>G variant is predicted to result in the amino acid substitution p.Trp613Gly. To our knowledge, this variant has not been reported in the literature or in a large population database, indicating this variant is rare. At this time, the clinical significance of this variant is uncertain due to the absence of conclusive functional and genetic evidence.

Literature cited by the submitters: PubMed 20738327 (cited by Clinical Genomics, Uppaluri K&H Personalized Medicine Clinic); PubMed 33879153 (cited by Clinical Genomics, Uppaluri K&H Personalized Medicine Clinic); PubMed 12955714 (cited by Clinical Genomics, Uppaluri K&H Personalized Medicine Clinic); PubMed 18060660 (cited by Clinical Genomics, Uppaluri K&H Personalized Medicine Clinic); PubMed 20301750 (cited by Clinical Genomics, Uppaluri K&H Personalized Medicine Clinic); PubMed 17603484 (cited by Clinical Genomics, Uppaluri K&H Personalized Medicine Clinic).